The following is an entry in ClinVar:

ClinVar aggregate classification (germline): Conflicting classifications of pathogenicity. Review status: criteria provided, conflicting classifications (1 of 4 stars). 2 submissions from 2 submitters: Uncertain significance (1); Likely benign (1). Last evaluated 2025-05-06.

Conditions:
Hereditary cancer-predisposing syndrome. Also called: Neoplastic Syndromes, Hereditary; Hereditary Cancer Syndrome; Tumor predisposition; Hereditary neoplastic syndrome. Identifiers: Orphanet 140162, MedGen C0027672, MeSH D009386, MONDO:0015356.

Allele frequency attached by ClinVar (database versions not stated): ExAC 0.00001; gnomAD exomes 0.00001.
gnomAD v4.1: 2 of 1,614,108 alleles (0.00012%); highest among the groups gnomAD compares: South Asian, 0.0011%; no homozygotes.

Submissions (2):

Labcorp Genetics (formerly Invitae), Labcorp
Classification: Uncertain significance. Last evaluated: 2025-05-06. Review status: criteria provided, single submitter. Criteria: Invitae Variant Classification Sherloc (09022015). Collection method: clinical testing. Allele origin: germline.
Comment: This sequence change replaces alanine, which is neutral and non-polar, with threonine, which is neutral and polar, at codon 282 of the HOXB13 protein (p.Ala282Thr). This variant is present in population databases (rs752722523, gnomAD 0.003%). This variant has not been reported in the literature in individuals affected with HOXB13-related conditions. ClinVar contains an entry for this variant (Variation ID: 943647). An algorithm developed to predict the effect of missense changes on protein structure and function outputs the following: PolyPhen-2: "Benign". The threonine amino acid residue is found in multiple mammalian species, which suggests that this missense change does not adversely affect protein function. In summary, the available evidence is currently insufficient to determine the role of this variant in disease. Therefore, it has been classified as a Variant of Uncertain Significance.

Ambry Genetics
Classification: Likely benign for Hereditary cancer-predisposing syndrome. Last evaluated: 2025-04-07. Review status: criteria provided, single submitter. Criteria: Ambry Variant Classification Scheme 2023. Collection method: clinical testing. Allele origin: germline.

NM_006361.6(HOXB13):c.844G>A (p.Ala282Thr)

Gene: HOXB13 (homeobox B13; minus strand). Cytogenetic location: 17q21.32.
Variant type: single nucleotide variant.
Coding change: c.844G>A on transcript NM_006361.6 (MANE Select); coding-DNA position 844, G replaced by A.
Protein change: p.Ala282Thr; replaces alanine 282 with threonine.
Molecular consequence: missense variant.
Genome position (GRCh38, 1-based): chr17:48,726,801, C>T on the plus strand (G>A on the coding strand, the complement: HOXB13 is on the minus strand). VCF-style: chr17-48726801-C-T. GRCh37 (hg19) VCF-style: chr17-46804163-C-T.
Other names: short protein forms A282T.
Identifiers: ClinVar variation 943647 (VCV000943647.10), dbSNP rs752722523, ClinGen allele CA8633898.